The following is an entry in ClinVar:

ClinVar aggregate classification (germline): Uncertain significance. Review status: criteria provided, multiple submitters, no conflicts (2 of 4 stars). 4 submissions from 4 submitters: Uncertain significance (4). Last evaluated 2025-05-18.

Conditions:
Hereditary cancer-predisposing syndrome. Also called: Hereditary Cancer Syndrome; Hereditary neoplastic syndrome; Neoplastic Syndromes, Hereditary; Tumor predisposition. Identifiers: Orphanet 140162, MedGen C0027672, MeSH D009386, MONDO:0015356.
Multiple endocrine neoplasia, type 2 (MEN2). Identifiers: Orphanet 653, MedGen C4048306, MONDO:0019003. Disease mechanism: gain of function.

Allele frequency attached by ClinVar (database versions not stated): gnomAD exomes below 0.00001.
gnomAD v4.1: 1 of 1,614,126 alleles (0.000062%); highest among the groups gnomAD compares: Admixed American, 0.0017%; no homozygotes.

Submissions (4):

Labcorp Genetics (formerly Invitae), Labcorp
Classification: Uncertain significance for Multiple endocrine neoplasia, type 2. Last evaluated: 2025-05-18. Review status: criteria provided, single submitter. Criteria: Invitae Variant Classification Sherloc (09022015). Collection method: clinical testing. Allele origin: germline.
Comment: This sequence change replaces lysine, which is basic and polar, with glutamic acid, which is acidic and polar, at codon 563 of the RET protein (p.Lys563Glu). This variant is present in population databases (no rsID available, gnomAD 0.003%). This variant has not been reported in the literature in individuals affected with RET-related conditions. ClinVar contains an entry for this variant (Variation ID: 1691913). An algorithm developed to predict the effect of missense changes on protein structure and function (PolyPhen-2) suggests that this variant is likely to be tolerated. In summary, the available evidence is currently insufficient to determine the role of this variant in disease. Therefore, it has been classified as a Variant of Uncertain Significance.

All of Us Research Program, National Institutes of Health
Classification: Uncertain significance for Multiple endocrine neoplasia, type 2. Last evaluated: 2024-09-23. Review status: criteria provided, single submitter. Criteria: ACMG Guidelines, 2015. Collection method: clinical testing. Allele origin: germline. Inheritance: Autosomal dominant inheritance. Observed: 2 variant alleles, 2 heterozygotes.
Comment: This missense variant replaces lysine with glutamic acid at codon 563 of the RET protein. Computational prediction suggests that this variant may not impact protein structure and function (internally defined REVEL score threshold <= 0.5, PMID: 27666373). To our knowledge, functional studies have not been reported for this variant. This variant has not been reported in individuals affected with RET-related disorders in the literature. This variant has been identified in 1/251362 chromosomes in the general population by the Genome Aggregation Database (gnomAD). The available evidence is insufficient to determine the role of this variant in disease conclusively. Therefore, this variant is classified as a Variant of Uncertain Significance.

This study involves interpretation of variants in research participants for the purpose of population health screening. Participant phenotype was not available at the time of variant classification. Additional details can be found in publication PMID: 35346344, PMCID: PMC8962531

Ambry Genetics
Classification: Uncertain significance for Hereditary cancer-predisposing syndrome. Last evaluated: 2023-10-29. Review status: criteria provided, single submitter. Criteria: Ambry Variant Classification Scheme 2023. Collection method: clinical testing. Allele origin: germline.
Comment: The p.K563E variant (also known as c.1687A>G), located in coding exon 9 of the RET gene, results from an A to G substitution at nucleotide position 1687. The lysine at codon 563 is replaced by glutamic acid, an amino acid with similar properties. This amino acid position is not well conserved in available vertebrate species. In addition, the in silico prediction for this alteration is inconclusive. Since supporting evidence is limited at this time, the clinical significance of this alteration remains unclear.

Sema4
Classification: Uncertain significance for Hereditary cancer-predisposing syndrome. Last evaluated: 2021-08-12. Review status: criteria provided, single submitter. Criteria: Sema4 Curation Guidelines. Collection method: curation. Allele origin: germline.
Comment: The RET c.1687A>G (p.K563E) variant has not been reported in the literature to our knowledge. It was observed in 1/34582 chromosomes of the Latino subpopulation in the large and broad cohorts of the Genome Aggregation Database (PMID: 32461654) but has not been reported in ClinVar. Functional studies have not been performed, and in silico predictions of the variant's effect on protein function are inconclusive. The evidence is insufficient to meet ACMG/AMP criteria for classifying the variant as benign or pathogenic. Thus, the clinical significance of this variant is currently uncertain.

NM_020975.6(RET):c.1687A>G (p.Lys563Glu)

Gene: RET (ret proto-oncogene; plus strand). Cytogenetic location: 10q11.21.
Variant type: single nucleotide variant.
Coding change: c.1687A>G on transcript NM_020975.6 (MANE Select); coding-DNA position 1687, A replaced by G.
Protein change: p.Lys563Glu; replaces lysine 563 with glutamic acid.
Molecular consequence: missense variant.
Genome position (GRCh38, 1-based): chr10:43,112,891, A>G. VCF-style: chr10-43112891-A-G. GRCh37 (hg19) VCF-style: chr10-43608339-A-G.
Other names: c.1558A>G, p.Lys520Glu (NM_001406761.1, NM_001406762.1, NM_001406764.1 and 1 more transcripts); c.1687A>G, p.Lys563Glu (NM_000323.2, NM_001406743.1, NM_001406744.1 and 6 more transcripts); c.925A>G, p.Lys309Glu (NM_001355216.2); c.1399A>G, p.Lys467Glu (NM_001406766.1, NM_001406767.1, NM_001406770.1); c.1291A>G, p.Lys431Glu (NM_001406769.1, NM_001406772.1); c.1249A>G, p.Lys417Glu (NM_001406771.1, NM_001406773.1); c.1162A>G, p.Lys388Glu (NM_001406774.1); c.961A>G, p.Lys321Glu (NM_001406775.1, NM_001406776.1, NM_001406777.1 and 1 more transcripts); and 5 more; short protein forms K309E, K563E, K221E, K321E, K520E, K168E, K264E, K388E.
Identifiers: ClinVar variation 1691913 (VCV001691913.9), dbSNP rs1387381256, ClinGen allele CA376551879.